The following is an entry in ClinVar:

NM_001349338.3(FOXP1):c.1062G>A (p.Gln354=)

Gene: FOXP1 (forkhead box P1; minus strand). Cytogenetic location: 3p13.
Variant type: single nucleotide variant.
Coding change: c.1062G>A on transcript NM_001349338.3 (MANE Select); coding-DNA position 1062, G replaced by A.
Protein change: p.Gln354=; no amino-acid change (glutamine 354 retained).
Molecular consequence: synonymous variant.
Genome position (GRCh38, 1-based): chr3:71,000,972, C>T on the plus strand (G>A on the coding strand, the complement: FOXP1 is on the minus strand). VCF-style: chr3-71000972-C-T. GRCh37 (hg19) VCF-style: chr3-71050123-C-T.
Other names: c.1062G>A, p.Gln354= (NM_001244808.3, NM_001244810.2, NM_001244814.3 and 4 more transcripts); c.834G>A, p.Gln278= (NM_001244812.3); c.762G>A, p.Gln254= (NM_001244813.3, NM_001244815.2, NM_001349342.3 and 1 more transcripts); c.759G>A, p.Gln253= (NM_001349337.2, NM_001349343.3, NM_001349344.3); c.1059G>A, p.Gln353= (NM_001349341.3).
Identifiers: ClinVar variation 2714082 (VCV002714082.4), dbSNP rs2545412739, ClinGen allele CA434168707.
Genomic context (GRCh38, chr3:71,000,972, plus strand): 5'-TACAGAAATCTGGAATTTGAGGCATACTGAGGTTAATATTAAAAATAAATGTGGTTTTAC[C>T]TGTAGCTCTAACTGCTGTACAACCTGCATTTGTACTCTACATTGGGCTGTACTTCTATCG-3'
Protein context (NP_001336267.1, residues 344-364): QMQVVQQLEL[Gln354=]LAKDKERLQA

ClinVar aggregate classification (germline): Uncertain significance. Review status: criteria provided, multiple submitters, no conflicts (2 of 4 stars). 2 submissions from 2 submitters: Uncertain significance (2). Last evaluated 2026-10-01.

Conditions:
Intellectual disability. Also called: intellectual disabilities; Intellectual developmental disorder; Intellectual functioning disability. Identifiers: MedGen C3714756, MeSH D008607, MONDO:0001071, HP:0001249.

Submissions (2):

Clinical Genetics Laboratory, Skane University Hospital Lund
Classification: Uncertain significance for Intellectual disability. Last evaluated: 2026-10-01. Review status: criteria provided, single submitter. Criteria: ACMG Guidelines, 2015. Collection method: clinical testing. Allele origin: de novo. Inheritance: Autosomal dominant inheritance. Affected: yes.
Comment: ACMG criteria used: PS2_mod, PM2 and PP3

Labcorp Genetics (formerly Invitae), Labcorp
Classification: Uncertain significance. Last evaluated: 2024-01-29. Review status: criteria provided, single submitter. Criteria: Invitae Variant Classification Sherloc (09022015). Collection method: clinical testing. Allele origin: germline.
Comment: This sequence change affects codon 354 of the FOXP1 mRNA. It is a 'silent' change, meaning that it does not change the encoded amino acid sequence of the FOXP1 protein. This variant also falls at the last nucleotide of exon 13, which is part of the consensus splice site for this exon. This variant is not present in population databases (gnomAD no frequency). This variant has not been reported in the literature in individuals affected with FOXP1-related conditions. Variants that disrupt the consensus splice site are a relatively common cause of aberrant splicing (PMID: 17576681, 9536098). Algorithms developed to predict the effect of sequence changes on RNA splicing suggest that this variant may disrupt the consensus splice site. In summary, the available evidence is currently insufficient to determine the role of this variant in disease. Therefore, it has been classified as a Variant of Uncertain Significance.

Literature cited by the submitters: PubMed 17576681 (cited by Labcorp Genetics (formerly Invitae), Labcorp); PubMed 9536098 (cited by Labcorp Genetics (formerly Invitae), Labcorp).